The following is an entry in ClinVar:

ClinVar aggregate classification (germline): Pathogenic (1 of 4 stars; one submission).

Submission:

GeneDx
Classification: Pathogenic. Last evaluated: 2017-11-08. Review status: criteria provided, single submitter. Criteria: GeneDx Variant Classification (06012015). Collection method: clinical testing. Allele origin: germline. Affected: yes.
Comment: The S65X variant in the NPRL3 gene has not been reported previously as a pathogenic variant nor as a benign variant, to our knowledge. This variant is predicted to cause loss of normal protein function either through protein truncation or nonsense-mediated mRNA decay. Furthermore, the S65X variant is not observed in large population cohorts (Lek et al., 2016).

NM_001077350.3(NPRL3):c.194C>G (p.Ser65Ter)

Genes: HBA-LCR (alpha-globin locus control region; plus strand), NPRL3 (NPR3 like, GATOR1 complex subunit; minus strand). Cytogenetic location: 16p13.3.
Variant type: single nucleotide variant.
Coding change: c.194C>G on transcript NM_001077350.3 (MANE Select); coding-DNA position 194, C replaced by G.
Protein change: p.Ser65Ter; replaces serine 65 with a stop codon.
Molecular consequence: nonsense. On other transcripts: 5 prime UTR variant (1), intron variant (1).
Genome position (GRCh38, 1-based): chr16:119,250, G>C on the plus strand (C>G on the coding strand, the complement: NPRL3 is on the minus strand). VCF-style: chr16-119250-G-C. GRCh37 (hg19) VCF-style: chr16-169249-G-C.
Other names: c.-41C>G (NM_001243247.2); c.194C>G, p.Ser65Ter (NM_001243248.2, NM_001243249.2); c.-144-6475C>G (NM_001039476.3); short protein forms S65*.
Identifiers: ClinVar variation 489102 (VCV000489102.2), dbSNP rs1555444207, ClinGen allele CA393995681.
Genomic context (GRCh38, chr16:119,250, plus strand): 5'-TCAAATTTTTGGCCACACATTTCAGACTTGGTTGCCAAAATTGTTGCCAGAATAACATCT[G>C]AAAACCTTAAAATTTAAGAGAGGTAGAATAAAAATAAGTTAACAAAATACCACAGCACCA-3'